The following is an entry in ClinVar:

NM_000111.3(SLC26A3):c.1670T>C (p.Ile557Thr)

Gene: SLC26A3 (solute carrier family 26 member 3; minus strand). Cytogenetic location: 7q22.3.
Variant type: single nucleotide variant.
Coding change: c.1670T>C on transcript NM_000111.3 (MANE Select); coding-DNA position 1670, T replaced by C.
Protein change: p.Ile557Thr; replaces isoleucine 557 with threonine.
Molecular consequence: missense variant.
Genome position (GRCh38, 1-based): chr7:107,776,459, A>G on the plus strand (T>C on the coding strand, the complement: SLC26A3 is on the minus strand). VCF-style: chr7-107776459-A-G. GRCh37 (hg19) VCF-style: chr7-107416904-A-G.
Other names: short protein forms I557T.
Identifiers: ClinVar variation 1421908 (VCV001421908.6), dbSNP rs1794117423, ClinGen allele CA368850705.

ClinVar aggregate classification (germline): Uncertain significance (1 of 4 stars; one submission).

Allele frequency attached by ClinVar (database versions not stated): gnomAD exomes 0.00001.
gnomAD v4.1: 3 of 1,613,138 alleles (0.00019%); highest among the groups gnomAD compares: Non-Finnish European, 0.00025%; no homozygotes.

Submission:

Labcorp Genetics (formerly Invitae), Labcorp
Classification: Uncertain significance. Last evaluated: 2022-05-29. Review status: criteria provided, single submitter. Criteria: Invitae Variant Classification Sherloc (09022015). Collection method: clinical testing. Allele origin: germline.
Comment: In summary, the available evidence is currently insufficient to determine the role of this variant in disease. Therefore, it has been classified as a Variant of Uncertain Significance. Advanced modeling of protein sequence and biophysical properties (such as structural, functional, and spatial information, amino acid conservation, physicochemical variation, residue mobility, and thermodynamic stability) performed at Invitae indicates that this missense variant is not expected to disrupt SLC26A3 protein function. ClinVar contains an entry for this variant (Variation ID: 1421908). This variant has not been reported in the literature in individuals affected with SLC26A3-related conditions. This variant is not present in population databases (gnomAD no frequency). This sequence change replaces isoleucine, which is neutral and non-polar, with threonine, which is neutral and polar, at codon 557 of the SLC26A3 protein (p.Ile557Thr).